The following is an entry in ClinVar:

ClinVar aggregate classification (germline): Uncertain significance. Review status: criteria provided, multiple submitters, no conflicts (2 of 4 stars). 3 submissions from 3 submitters: Uncertain significance (3). Last evaluated 2025-08-01.

Conditions:
Charcot-Marie-Tooth disease axonal type 2P. Also called: CHARCOT-MARIE-TOOTH NEUROPATHY, TYPE 2P; CHARCOT-MARIE-TOOTH DISEASE, AXONAL, TYPE 2G; CMT 2G; Charcot-Marie-Tooth Neuropathy Type 2G. Identifiers: Orphanet 300319, Orphanet 99941, MedGen C3280797, MONDO:0013753, OMIM 614436.

Submissions (3):

CeGaT Center for Human Genetics Tuebingen
Classification: Uncertain significance. Last evaluated: 2025-08-01. Review status: criteria provided, single submitter. Criteria: CeGaT Center For Human Genetics Tuebingen Variant Classification Criteria Version 2. Collection method: clinical testing. Allele origin: germline. Affected: yes. Observed: 1 variant allele.
Comment: LRSAM1: PM1, PM2, BP4

3billion
Classification: Uncertain significance for Charcot-Marie-Tooth disease axonal type 2P. Last evaluated: 2025-05-19. Review status: criteria provided, single submitter. Criteria: ACMG Guidelines, 2015. Collection method: clinical testing. Allele origin: germline. Affected: yes.
Comment: The variant is not observed in the gnomAD v4.1.0 dataset. Predicted Consequence/Location: Missense variant. The majority of the known disease-causing variants of this gene are variants expected to result in premature termination of the protein. Damaging effect on gene or gene product predicted by in silico programs is uncertain [REVEL: 0.28 (damaging >=0.6, benign <0.4), 3Cnet: 0.72 (damaging >0.75, benign <0.1)]. The variant has been reported as of uncertain significance (ClinVar ID: VCV001987811; 3billion dataset). Therefore, this variant is classified as VUS according to the recommendation of ACMG/AMP guideline.

Labcorp Genetics (formerly Invitae), Labcorp
Classification: Uncertain significance for Charcot-Marie-Tooth disease axonal type 2P. Last evaluated: 2024-10-24. Review status: criteria provided, single submitter. Criteria: Invitae Variant Classification Sherloc (09022015). Collection method: clinical testing. Allele origin: germline.
Comment: This sequence change replaces cysteine, which is neutral and slightly polar, with arginine, which is basic and polar, at codon 700 of the LRSAM1 protein (p.Cys700Arg). This variant is not present in population databases (gnomAD no frequency). This variant has not been reported in the literature in individuals affected with LRSAM1-related conditions. ClinVar contains an entry for this variant (Variation ID: 1987811). Invitae Evidence Modeling of protein sequence and biophysical properties (such as structural, functional, and spatial information, amino acid conservation, physicochemical variation, residue mobility, and thermodynamic stability) indicates that this missense variant is not expected to disrupt LRSAM1 protein function with a negative predictive value of 80%. In summary, the available evidence is currently insufficient to determine the role of this variant in disease. Therefore, it has been classified as a Variant of Uncertain Significance.

NM_001005373.4(LRSAM1):c.2098T>C (p.Cys700Arg)

Gene: LRSAM1 (leucine rich repeat and sterile alpha motif containing 1; plus strand). Cytogenetic location: 9q34.11.
Variant type: single nucleotide variant.
Coding change: c.2098T>C on transcript NM_001005373.4 (MANE Select); coding-DNA position 2098, T replaced by C.
Protein change: p.Cys700Arg; replaces cysteine 700 with arginine.
Molecular consequence: missense variant. On other transcripts: non-coding transcript variant (2).
Genome position (GRCh38, 1-based): chr9:127,502,825, T>C. VCF-style: chr9-127502825-T-C. GRCh37 (hg19) VCF-style: chr9-130265104-T-C.
Other names: c.2098T>C, p.Cys700Arg (NM_001005374.4, NM_001384142.1, NM_138361.5); c.2017T>C, p.Cys673Arg (NM_001190723.3); c.1999T>C, p.Cys667Arg (NM_001384143.1); c.1309T>C, p.Cys437Arg (NM_001384144.1); short protein forms C673R, C437R, C667R, C700R.
Identifiers: ClinVar variation 1987811 (VCV001987811.12), dbSNP rs2539470824, ClinGen allele CA374938822.